The following is an entry in ClinVar:

NM_182931.3(KMT2E):c.5413A>G (p.Thr1805Ala)

Gene: KMT2E (lysine methyltransferase 2E (inactive); plus strand). Cytogenetic location: 7q22.3.
Variant type: single nucleotide variant.
Coding change: c.5413A>G on transcript NM_182931.3 (MANE Select); coding-DNA position 5413, A replaced by G.
Protein change: p.Thr1805Ala; replaces threonine 1805 with alanine.
Molecular consequence: missense variant.
Genome position (GRCh38, 1-based): chr7:105,113,169, A>G. VCF-style: chr7-105113169-A-G. GRCh37 (hg19) VCF-style: chr7-104753616-A-G.
Other names: c.5287A>G, p.Thr1763Ala (NM_001410908.1); c.5413A>G, p.Thr1805Ala (NM_018682.4); short protein forms T1805A, T1763A.
Identifiers: ClinVar variation 2083136 (VCV002083136.4), dbSNP rs1584821812, ClinGen allele CA368795142.

ClinVar aggregate classification (germline): Uncertain significance (1 of 4 stars; one submission).

Submission:

Labcorp Genetics (formerly Invitae), Labcorp
Classification: Uncertain significance. Last evaluated: 2022-04-22. Review status: criteria provided, single submitter. Criteria: Invitae Variant Classification Sherloc (09022015). Collection method: clinical testing. Allele origin: germline.
Comment: In summary, the available evidence is currently insufficient to determine the role of this variant in disease. Therefore, it has been classified as a Variant of Uncertain Significance. Algorithms developed to predict the effect of missense changes on protein structure and function (SIFT, PolyPhen-2, Align-GVGD) all suggest that this variant is likely to be tolerated. This variant has not been reported in the literature in individuals affected with KMT2E-related conditions. This variant is not present in population databases (gnomAD no frequency). This sequence change replaces threonine, which is neutral and polar, with alanine, which is neutral and non-polar, at codon 1805 of the KMT2E protein (p.Thr1805Ala).